The following is an entry in ClinVar:

NM_030930.4(UNC93B1):c.923G>C (p.Gly308Ala)

Gene: UNC93B1 (unc-93B1 regulator of TLR signaling; minus strand). Cytogenetic location: 11q13.2.
Variant type: single nucleotide variant.
Coding change: c.923G>C on transcript NM_030930.4 (MANE Select); coding-DNA position 923, G replaced by C.
Protein change: p.Gly308Ala; replaces glycine 308 with alanine.
Molecular consequence: missense variant.
Genome position (GRCh38, 1-based): chr11:67,996,768, C>G on the plus strand (G>C on the coding strand, the complement: UNC93B1 is on the minus strand). VCF-style: chr11-67996768-C-G. GRCh37 (hg19) VCF-style: chr11-67764239-C-G.
Other names: short protein forms G308A.
Identifiers: ClinVar variation 537918 (VCV000537918.9), dbSNP rs1442000007, ClinGen allele CA381573231.
Genomic context (GRCh38, chr11:67,996,768, plus strand): 5'-AAGATGTTGCCCCAGCCCACGCTGCGCAGATCGATCTCCTCCGTGGGCCGGTAAGCGGCT[C>G]CGCACAAACCCAGCACCTGCGAACCCATTACTTGAAGGGGCGGCCAGCCAGGCCCAGGCC-3'
Protein context (NP_112192.2, residues 298-318): LAMLLVLGLC[Gly308Ala]AAYRPTEEID

ClinVar aggregate classification (germline): Uncertain significance (1 of 4 stars; one submission).

Conditions:
Encephalopathy, acute, infection-induced (herpes-specific), susceptibility to, 1. Also called: Herpes simplex encephalitis, susceptibility to, 1. Identifiers: Orphanet 1930, MedGen C2750180, MONDO:0024563, OMIM 610551.

Allele frequency attached by ClinVar (database versions not stated): gnomAD exomes 0.00001; TOPMed below 0.00001.
gnomAD v4.1: 2 of 1,558,858 alleles (0.00013%); highest among the groups gnomAD compares: Non-Finnish European, 0.00017%; no homozygotes.

Submission:

Labcorp Genetics (formerly Invitae), Labcorp
Classification: Uncertain significance for Encephalopathy, acute, infection-induced (herpes-specific), susceptibility to, 1. Last evaluated: 2022-08-22. Review status: criteria provided, single submitter. Criteria: Invitae Variant Classification Sherloc (09022015). Collection method: clinical testing. Allele origin: germline.
Comment: This variant is present in population databases (no rsID available, gnomAD 0.001%). In summary, the available evidence is currently insufficient to determine the role of this variant in disease. Therefore, it has been classified as a Variant of Uncertain Significance. Algorithms developed to predict the effect of sequence changes on RNA splicing suggest that this variant may create or strengthen a splice site. ClinVar contains an entry for this variant (Variation ID: 537918). This variant has not been reported in the literature in individuals affected with UNC93B1-related conditions. This sequence change replaces glycine, which is neutral and non-polar, with alanine, which is neutral and non-polar, at codon 308 of the UNC93B1 protein (p.Gly308Ala).